The following is an entry in ClinVar:

NM_001164508.2(NEB):c.12684T>G (p.Tyr4228Ter)

Gene: NEB (nebulin; minus strand). Cytogenetic location: 2q23.3.
Variant type: single nucleotide variant.
Coding change: c.12684T>G on transcript NM_001164508.2 (MANE Select); coding-DNA position 12684, T replaced by G.
Protein change: p.Tyr4228Ter; replaces tyrosine 4228 with a stop codon.
Molecular consequence: nonsense. On other transcripts: intron variant (1).
Genome position (GRCh38, 1-based): chr2:151,606,669, A>C on the plus strand (T>G on the coding strand, the complement: NEB is on the minus strand). VCF-style: chr2-151606669-A-C. GRCh37 (hg19) VCF-style: chr2-152463183-A-C.
Other names: c.12684T>G, p.Tyr4228Ter (NM_001164507.2, NM_001271208.2); c.11601+3140T>G (NM_004543.5); short protein forms Y4228*.
Identifiers: ClinVar variation 465462 (VCV000465462.10), dbSNP rs1553875421, ClinGen allele CA348774484.
Genomic context (GRCh38, chr2:151,606,669, plus strand): 5'-ACTGGCAATTTCTCTGGAGGCCTTGGCGTGCTTGATTTCAATGGCATCTGCCCTTATGTC[A>C]TAGCCTTTCTGCTTGGCGTCATTCCAGTCTTTTTGGTAGAGTTTCTATAGAGGGAAAATA-3'

ClinVar aggregate classification (germline): Pathogenic (1 of 4 stars; one submission).

Conditions:
Nemaline myopathy 2 (NEM2). Also called: Nemaline myopathy 2, autosomal recessive. Identifiers: MedGen C1850569, MONDO:0009725, OMIM 256030.

Submission:

Labcorp Genetics (formerly Invitae), Labcorp
Classification: Pathogenic for Nemaline myopathy 2. Last evaluated: 2022-10-04. Review status: criteria provided, single submitter. Criteria: Invitae Variant Classification Sherloc (09022015). Collection method: clinical testing. Allele origin: germline.
Comment: This variant occurs in a region of NEB (Exons 82-105) consisting of three highly homologous 8-exon repeat units (exons 82-89, exons 90-97, exons 98-105). Sequence variants in this region can be detected, but this assay cannot determine which of the three repeat units is affected, and zygosity is often ambiguous. All variants in this region are reported relative to the exon 82-89 repeat. This sequence change creates a premature translational stop signal (p.Tyr4228*) in the NEB gene. It is expected to result in an absent or disrupted protein product. Loss-of-function variants in NEB are known to be pathogenic (PMID: 25205138). For these reasons, this variant has been classified as Pathogenic. ClinVar contains an entry for this variant (Variation ID: 465462). This variant has not been reported in the literature in individuals affected with NEB-related conditions. The frequency data for this variant in the population databases (gnomAD) is considered unreliable due to the presence of homologous sequence, such as pseudogenes or paralogs, in the genome.

Literature cited by the submitters: PubMed 25205138.